The following is an entry in ClinVar:

NM_001042492.3(NF1):c.2624G>T (p.Gly875Val)

Gene: NF1 (neurofibromin 1; plus strand). Cytogenetic location: 17q11.2.
Variant type: single nucleotide variant.
Coding change: c.2624G>T on transcript NM_001042492.3 (MANE Select); coding-DNA position 2624, G replaced by T.
Protein change: p.Gly875Val; replaces glycine 875 with valine.
Molecular consequence: missense variant.
Genome position (GRCh38, 1-based): chr17:31,229,239, G>T. VCF-style: chr17-31229239-G-T. GRCh37 (hg19) VCF-style: chr17-29556257-G-T.
Other names: c.2624G>T, p.Gly875Val (NM_000267.4); short protein forms G875V.
Identifiers: ClinVar variation 404579 (VCV000404579.11), dbSNP rs1060500361, ClinGen allele CA8486007.

ClinVar aggregate classification (germline): Conflicting classifications of pathogenicity. Review status: criteria provided, conflicting classifications (1 of 4 stars). 4 submissions from 4 submitters: Uncertain significance (3); Benign (1). Last evaluated 2025-09-15.

Conditions:
Cardiovascular phenotype. Identifiers: MedGen CN230736.
Hereditary cancer-predisposing syndrome. Also called: Neoplastic Syndromes, Hereditary; Tumor predisposition; Hereditary Cancer Syndrome; Hereditary neoplastic syndrome. Identifiers: Orphanet 140162, MedGen C0027672, MeSH D009386, MONDO:0015356.
Juvenile myelomonocytic leukemia (JMML). Also called: LEUKEMIA, JUVENILE MYELOMONOCYTIC, SOMATIC. Identifiers: Orphanet 86834, MedGen C0349639, MONDO:0011908, OMIM 607785, HP:0012209.
Neurofibromatosis, type 1 (NF1). Also called: VON RECKLINGHAUSEN DISEASE; NEUROFIBROMATOSIS, TYPE I, SOMATIC; Peripheral type neurofibromatosis; Neurofibromatosis, type I. Identifiers: Orphanet 636, MedGen C0027831, MONDO:0018975, OMIM 162200. Disease mechanism: loss of function.

Allele frequency attached by ClinVar (database versions not stated): ExAC 0.00001; gnomAD exomes 0.00001.
gnomAD v4.1: 4 of 1,612,544 alleles (0.00025%); highest among the groups gnomAD compares: South Asian, 0.0044%; no homozygotes.

Submissions (4):

Labcorp Genetics (formerly Invitae), Labcorp
Classification: Benign for Neurofibromatosis, type 1. Last evaluated: 2025-09-15. Review status: criteria provided, single submitter. Criteria: Invitae Variant Classification Sherloc (09022015). Collection method: clinical testing. Allele origin: germline.

Ambry Genetics
Classification: Uncertain significance for Cardiovascular phenotype; Hereditary cancer-predisposing syndrome. Last evaluated: 2024-10-02. Review status: criteria provided, single submitter. Criteria: Ambry Variant Classification Scheme 2023. Collection method: clinical testing. Allele origin: germline.
Comment: The p.G875V variant (also known as c.2624G>T), located in coding exon 21 of the NF1 gene, results from a G to T substitution at nucleotide position 2624. The glycine at codon 875 is replaced by valine, an amino acid with dissimilar properties. This amino acid position is well conserved in available vertebrate species. In addition, the in silico prediction for this alteration is inconclusive. Based on the available evidence, the clinical significance of this variant remains unclear.

Blueprint Genetics
Classification: Uncertain significance. Last evaluated: 2023-08-16. Review status: criteria provided, single submitter. Criteria: ACMG Guidelines, 2015. Collection method: clinical testing. Allele origin: germline.

Baylor Genetics
Classification: Uncertain significance for Juvenile myelomonocytic leukemia. Last evaluated: 2022-12-07. Review status: criteria provided, single submitter. Criteria: ACMG Guidelines, 2015. Collection method: clinical testing. Allele origin: unknown.